The following is an entry in ClinVar:

ClinVar aggregate classification (germline): Uncertain significance (1 of 4 stars; one submission).

Conditions:
Holoprosencephaly 9 (HPE9). Also called: HOLOPROSENCEPHALY WITH MICROPHTHALMIA AND FIRST BRANCHIAL ARCH ANOMALIES; PITUITARY ANOMALIES WITH HOLOPROSENCEPHALY-LIKE FEATURES. Identifiers: Orphanet 2162, MedGen C1835819, MONDO:0012563, OMIM 610829.
Postaxial polydactyly-anterior pituitary anomalies-facial dysmorphism syndrome. Also called: Culler-Jones syndrome. Identifiers: Orphanet 420584, MedGen C4014479, MONDO:0014369, OMIM 615849.

Submission:

Labcorp Genetics (formerly Invitae), Labcorp
Classification: Uncertain significance for Postaxial polydactyly-anterior pituitary anomalies-facial dysmorphism syndrome; Holoprosencephaly 9. Last evaluated: 2025-09-10. Review status: criteria provided, single submitter. Criteria: Invitae Variant Classification Sherloc (09022015). Collection method: clinical testing. Allele origin: germline.
Comment: This sequence change replaces proline, which is neutral and non-polar, with glutamine, which is neutral and polar, at codon 999 of the GLI2 protein (p.Pro999Gln). This variant is not present in population databases (gnomAD no frequency). This variant has not been reported in the literature in individuals affected with GLI2-related conditions. Invitae Evidence Modeling of protein sequence and biophysical properties (such as structural, functional, and spatial information, amino acid conservation, physicochemical variation, residue mobility, and thermodynamic stability) indicates that this missense variant is not expected to disrupt GLI2 protein function with a negative predictive value of 80%. In summary, the available evidence is currently insufficient to determine the role of this variant in disease. Therefore, it has been classified as a Variant of Uncertain Significance.

NM_001374353.1(GLI2):c.2945C>A (p.Pro982Gln)

Gene: GLI2 (GLI family zinc finger 2; plus strand). Cytogenetic location: 2q14.2.
Variant type: single nucleotide variant.
Coding change: c.2945C>A on transcript NM_001374353.1 (MANE Select); coding-DNA position 2945, C replaced by A.
Protein change: p.Pro982Gln; replaces proline 982 with glutamine.
Molecular consequence: missense variant.
Genome position (GRCh38, 1-based): chr2:120,988,910, C>A. VCF-style: chr2-120988910-C-A. GRCh37 (hg19) VCF-style: chr2-121746486-C-A.
Other names: c.2996C>A, p.Pro999Gln (NM_001371271.1, NM_005270.5); c.2570C>A, p.Pro857Gln (NM_001374354.1); short protein forms P857Q, P999Q, P982Q.
Identifiers: ClinVar variation 4782729 (VCV004782729.1).